The following is an entry in ClinVar:

NM_020975.6(RET):c.1197G>A (p.Pro399=)

Gene: RET (ret proto-oncogene; plus strand). Cytogenetic location: 10q11.21.
Variant type: single nucleotide variant.
Coding change: c.1197G>A on transcript NM_020975.6 (MANE Select); coding-DNA position 1197, G replaced by A.
Protein change: p.Pro399=; no amino-acid change (proline 399 retained).
Molecular consequence: synonymous variant. On other transcripts: intron variant (18).
Genome position (GRCh38, 1-based): chr10:43,109,164, G>A. VCF-style: chr10-43109164-G-A. GRCh37 (hg19) VCF-style: chr10-43604612-G-A.
Other names: c.1197G>A, p.Pro399= (NM_000323.2, NM_001406743.1, NM_001406744.1 and 6 more transcripts); c.435G>A, p.Pro145= (NM_001355216.2); c.1068G>A, p.Pro356= (NM_001406761.1, NM_001406762.1, NM_001406764.1 and 1 more transcripts); c.909G>A, p.Pro303= (NM_001406766.1, NM_001406767.1, NM_001406770.1); c.759G>A, p.Pro253= (NM_001406771.1, NM_001406773.1); c.471G>A, p.Pro157= (NM_001406775.1, NM_001406776.1, NM_001406777.1 and 1 more transcripts); c.207G>A, p.Pro69= (NM_001406784.1); c.868-2043G>A (NM_001406772.1, NM_001406769.1); and 5 more.
Identifiers: ClinVar variation 184610 (VCV000184610.37), dbSNP rs148371113, ClinGen allele CA007484.

ClinVar aggregate classification (germline): Benign/Likely benign. Review status: criteria provided, multiple submitters, no conflicts (2 of 4 stars). 15 submissions from 13 submitters: Benign (4); Likely benign (8). 3 of the submissions do not count toward it. Last evaluated 2026-02-03.

Conditions:
RET-related disorder. Also called: RET-related condition; RET-related disease; RET-related disorders.
Hereditary cancer-predisposing syndrome. Also called: Tumor predisposition; Neoplastic Syndromes, Hereditary; Hereditary Cancer Syndrome; Hereditary neoplastic syndrome. Identifiers: Orphanet 140162, MedGen C0027672, MeSH D009386, MONDO:0015356.
Multiple endocrine neoplasia, type 2 (MEN2). Identifiers: Orphanet 653, MedGen C4048306, MONDO:0019003. Disease mechanism: gain of function.
Multiple endocrine neoplasia type 2B. Also called: MULTIPLE ENDOCRINE NEOPLASIA, TYPE IIB; MEN 2B; MEN IIB; Multiple Endocrine Neoplasia Type 2B (MEN2B); NEUROMATA, MUCOSAL, WITH ENDOCRINE TUMORS; Multiple endocrine neoplasia, type 3. Identifiers: Orphanet 247709, Orphanet 653, MedGen C0025269, MeSH D018814, MONDO:0008082, OMIM 162300.
Multiple endocrine neoplasia type 2A. Also called: Multiple Endocrine Neoplasia Type 2A (MEN2A); MULTIPLE ENDOCRINE NEOPLASIA, TYPE IIA; PTC SYNDROME; SIPPLE SYNDROME; MEN 2A; MEN-2A syndrome. Identifiers: Orphanet 247698, Orphanet 653, MedGen C0025268, MeSH D018813, MONDO:0008234, OMIM 171400.
Pheochromocytoma. Also called: MAX-Related Hereditary Paraganglioma-Pheochromocytoma Syndrome. Identifiers: Orphanet 29072, MedGen C0031511, MONDO:0008233, OMIM 171300, HP:0002666.

Allele frequency attached by ClinVar (database versions not stated): gnomAD exomes 0.00020; ExAC 0.00027; ESP Exome Variant Server 0.00062; TOPMed 0.00147; gnomAD 0.00099 and 0.00108; 1000 Genomes Project 0.00100; 1000 Genomes Project 30x 0.00109.
gnomAD v4.1: 352 of 1,613,820 alleles (0.022%); highest among the groups gnomAD compares: African/African-American, 0.3%; 1 homozygote.

Submissions (15):

Labcorp Genetics (formerly Invitae), Labcorp
Classification: Benign for Multiple endocrine neoplasia, type 2. Last evaluated: 2026-02-03. Review status: criteria provided, single submitter. Criteria: Invitae Variant Classification Sherloc (09022015). Collection method: clinical testing. Allele origin: germline.

CeGaT Center for Human Genetics Tuebingen
Classification: Likely benign. Last evaluated: 2026-01-01. Review status: criteria provided, single submitter. Criteria: CeGaT Center For Human Genetics Tuebingen Variant Classification Criteria Version 2. Collection method: clinical testing. Allele origin: germline. Affected: yes. Observed: 1 variant allele.
Comment: RET: BP4, BP7

Ambry Genetics
Classification: Likely benign for Hereditary cancer-predisposing syndrome. Last evaluated: 2025-08-19. Review status: criteria provided, single submitter. Criteria: Ambry Variant Classification Scheme 2023. Collection method: clinical testing. Allele origin: germline.

KCCC/NGS Laboratory, Kuwait Cancer Control Center
Classification: Benign for Pheochromocytoma. Last evaluated: 2025-02-01. Review status: criteria provided, single submitter. Criteria: ACMG Guidelines, 2015. Collection method: clinical testing. Allele origin: germline. Affected: no.

Blueprint Genetics
Classification: Likely benign. Last evaluated: 2024-11-12. Review status: criteria provided, single submitter. Criteria: ACMG Guidelines, 2015. Collection method: clinical testing. Allele origin: germline.

KCCC/NGS Laboratory, Kuwait Cancer Control Center
Classification: Benign for Multiple endocrine neoplasia type 2B. Last evaluated: 2023-07-07. Review status: criteria provided, single submitter. Criteria: ACMG Guidelines, 2015. Collection method: clinical testing. Allele origin: germline. Affected: yes.

ARUP Laboratories, Molecular Genetics and Genomics, ARUP Laboratories
Classification: Likely benign. Last evaluated: 2023-03-28. Review status: criteria provided, single submitter. Criteria: ARUP Molecular Germline Variant Investigation Process 2024. Collection method: clinical testing. Allele origin: germline.

Color Diagnostics, LLC DBA Color Health
Classification: Likely benign for Multiple endocrine neoplasia, type 2. Last evaluated: 2022-11-06. Review status: criteria provided, single submitter. Criteria: ACMG Guidelines, 2015. Collection method: clinical testing. Allele origin: germline.

Women's Health and Genetics/Laboratory Corporation of America, LabCorp
Classification: Benign. Last evaluated: 2021-09-13. Review status: criteria provided, single submitter. Criteria: LabCorp Variant Classification Summary - May 2015. Collection method: clinical testing. Allele origin: germline.

Sema4
Classification: Likely benign for Hereditary cancer-predisposing syndrome. Last evaluated: 2021-04-01. Review status: criteria provided, single submitter. Criteria: Sema4 Curation Guidelines. Collection method: curation. Allele origin: germline.

Genetic Services Laboratory, University of Chicago
Classification: Likely benign. Last evaluated: 2020-12-03. Review status: criteria provided, single submitter. Criteria: ACMG Guidelines, 2015. Collection method: clinical testing. Allele origin: germline. Affected: no.

GeneDx
Classification: Likely benign. Last evaluated: 2019-08-21. Review status: criteria provided, single submitter. Criteria: GeneDx Variant Classification Process June 2021. Collection method: clinical testing. Allele origin: germline. Affected: yes.
Comment: This variant is associated with the following publications: (PMID: 15744028, 17088437)

PreventionGenetics, part of Exact Sciences
Classification: Likely benign for RET-related condition. Last evaluated: 2021-02-18. Review status: no assertion criteria provided. Collection method: clinical testing. Allele origin: germline. Not counted in ClinVar's aggregate classification.
Comment: This variant is classified as likely benign based on ACMG/AMP sequence variant interpretation guidelines (Richards et al. 2015 PMID: 25741868, with internal and published modifications).

Counsyl
Classification: Likely benign for Multiple endocrine neoplasia type 2B. Last evaluated: 2016-09-06. Review status: no assertion criteria provided. Collection method: clinical testing. Allele origin: unknown. Not counted in ClinVar's aggregate classification.

Counsyl
Classification: Likely benign for Multiple endocrine neoplasia type 2A. Last evaluated: 2016-09-06. Review status: no assertion criteria provided. Collection method: clinical testing. Allele origin: unknown. Not counted in ClinVar's aggregate classification.

Literature cited by the submitters: PubMed 15744028 (cited by Sema4).